The following is an entry in ClinVar:

NM_004656.4(BAP1):c.1313C>A (p.Ser438Ter)

Gene: BAP1 (BRCA1 associated deubiquitinase 1; minus strand). Cytogenetic location: 3p21.1.
Variant type: single nucleotide variant.
Coding change: c.1313C>A on transcript NM_004656.4 (MANE Select); coding-DNA position 1313, C replaced by A.
Protein change: p.Ser438Ter; replaces serine 438 with a stop codon.
Molecular consequence: nonsense.
Genome position (GRCh38, 1-based): chr3:52,403,832, G>T on the plus strand (C>A on the coding strand, the complement: BAP1 is on the minus strand). VCF-style: chr3-52403832-G-T. GRCh37 (hg19) VCF-style: chr3-52437848-G-T.
Other names: short protein forms S438*.
Identifiers: ClinVar variation 942550 (VCV000942550.7), dbSNP rs1443225407, ClinGen allele CA353102179.

ClinVar aggregate classification (germline): Pathogenic (1 of 4 stars; one submission).

Conditions:
BAP1-related tumor predisposition syndrome (TPDS1). Also called: TUMOR PREDISPOSITION SYNDROME 1; COMMON Syndrome; BAP1 tumor predisposition syndrome; Tumor susceptibility linked to germline BAP1 mutations. Identifiers: Orphanet 289539, MedGen C3280492, MONDO:0013692, OMIM 614327.

Submission:

Labcorp Genetics (formerly Invitae), Labcorp
Classification: Pathogenic for BAP1-related tumor predisposition syndrome. Last evaluated: 2019-10-29. Review status: criteria provided, single submitter. Criteria: Invitae Variant Classification Sherloc (09022015). Collection method: clinical testing. Allele origin: germline.
Comment: For these reasons, this variant has been classified as Pathogenic. This variant is not present in population databases (ExAC no frequency). This sequence change creates a premature translational stop signal (p.Ser438*) in the BAP1 gene. It is expected to result in an absent or disrupted protein product. Loss-of-function variants in BAP1 are known to be pathogenic (PMID: 21874000, 23684012). This variant has been observed in an individual with choroid and iris naevus and cutaneous melanoma (PMID: 30517737).

Literature cited by the submitters: PubMed 21874000; PubMed 23684012; PubMed 30517737.